The following is an entry in ClinVar:

ClinVar aggregate classification (germline): Benign. Review status: criteria provided, multiple submitters, no conflicts (2 of 4 stars). 5 submissions from 5 submitters: Benign (4). 1 of the submissions does not count toward it. Last evaluated 2026-02-02.

Conditions:
VPS13C-related disorder. Also called: VPS13C-related condition.

Allele frequency attached by ClinVar (database versions not stated): gnomAD exomes 0.03870 and 0.07332; ExAC 0.06991; gnomAD 0.05386 and 0.05782; TOPMed 0.05771; ESP Exome Variant Server 0.03261; 1000 Genomes Project 30x 0.10837; 1000 Genomes Project 0.10683.
gnomAD v4.1: 65,634 of 1,609,346 alleles (4.1%); highest among the groups gnomAD compares: East Asian, 21%; 3,215 homozygotes.

Submissions (5):

Labcorp Genetics (formerly Invitae), Labcorp
Classification: Benign. Last evaluated: 2026-02-02. Review status: criteria provided, single submitter. Criteria: Invitae Variant Classification Sherloc (09022015). Collection method: clinical testing. Allele origin: germline.

Mayo Clinic Laboratories, Mayo Clinic
Classification: Benign. Last evaluated: 2022-03-24. Review status: criteria provided, single submitter. Criteria: ACMG Guidelines, 2015. Collection method: clinical testing. Allele origin: germline. Observed: 43 variant alleles.

GeneDx
Classification: Benign. Last evaluated: 2021-05-05. Review status: criteria provided, single submitter. Criteria: GeneDx Variant Classification Process June 2021. Collection method: clinical testing. Allele origin: germline. Affected: yes.

Breakthrough Genomics
Classification: Benign. Review status: criteria provided, single submitter. Criteria: ACMG Guidelines, 2015. Collection method: not provided. Allele origin: germline. Inheritance: Autosomal recessive inheritance. Affected: yes.

PreventionGenetics, part of Exact Sciences
Classification: Benign for VPS13C-related condition. Last evaluated: 2019-06-05. Review status: no assertion criteria provided. Collection method: clinical testing. Allele origin: germline. Not counted in ClinVar's aggregate classification.
Comment: This variant is classified as benign based on ACMG/AMP sequence variant interpretation guidelines (Richards et al. 2015 PMID: 25741868, with internal and published modifications).

NM_020821.3(VPS13C):c.458G>A (p.Arg153His)

Gene: VPS13C (vacuolar protein sorting 13 homolog C; minus strand). Cytogenetic location: 15q22.2.
Variant type: single nucleotide variant.
Coding change: c.458G>A on transcript NM_020821.3 (MANE Select); coding-DNA position 458, G replaced by A.
Protein change: p.Arg153His; replaces arginine 153 with histidine.
Molecular consequence: missense variant. On other transcripts: intron variant (2).
Genome position (GRCh38, 1-based): chr15:62,023,836, C>T on the plus strand (G>A on the coding strand, the complement: VPS13C is on the minus strand). VCF-style: chr15-62023836-C-T. GRCh37 (hg19) VCF-style: chr15-62316035-C-T.
Other names: p.Arg153His; c.458G>A, p.Arg153His (NM_001018088.3); c.386-316G>A (NM_017684.5, NM_018080.4); short protein forms R153H.
Identifiers: ClinVar variation 1258234 (VCV001258234.14), dbSNP rs12595158, ClinGen allele CA7597516.